The following is an entry in ClinVar:

NM_003361.4(UMOD):c.702G>C (p.Thr234=)

Gene: UMOD (uromodulin; minus strand). Cytogenetic location: 16p12.3.
Variant type: single nucleotide variant.
Coding change: c.702G>C on transcript NM_003361.4 (MANE Select); coding-DNA position 702, G replaced by C.
Protein change: p.Thr234=; no amino-acid change (threonine 234 retained).
Molecular consequence: synonymous variant. On other transcripts: non-coding transcript variant (1).
Genome position (GRCh38, 1-based): chr16:20,348,599, C>G on the plus strand (G>C on the coding strand, the complement: UMOD is on the minus strand). VCF-style: chr16-20348599-C-G. GRCh37 (hg19) VCF-style: chr16-20359921-C-G.
Other names: c.702G>C, p.Thr234= (NM_001008389.3, NM_001378232.1, NM_001378233.1 and 3 more transcripts); c.801G>C, p.Thr267= (NM_001278614.2); c.702G>C (NM_003361.3).
Identifiers: ClinVar variation 1903403 (VCV001903403.7), dbSNP rs758247526, ClinGen allele CA7939417.
Genomic context (GRCh38, chr16:20,348,599, plus strand): 5'-GTGGCCGCTCCAGTGCGCGCAGGCCTTGCGGCTCACGATGCCCTCGTCGCTGGACGGATG[C>G]GTGCCATTGAGCCACATGGGGGCGGCCGTGTTGCAGCGCAGGACTGGCACGCAGGTCTCG-3'
Protein context (NP_003352.2, residues 224-244): NTAAPMWLNG[Thr234=]HPSSDEGIVS

ClinVar aggregate classification (germline): Likely benign. Review status: criteria provided, single submitter (1 of 4 stars). 2 submissions from 2 submitters: Likely benign (1). 1 of the submissions does not count toward it. Last evaluated 2022-08-28.

Conditions:
UMOD-related disorder. Also called: UMOD-related condition.

Allele frequency attached by ClinVar (database versions not stated): ExAC 0.00004; gnomAD exomes 0.00004.
gnomAD v4.1: 59 of 1,590,254 alleles (0.0037%); highest among the groups gnomAD compares: Non-Finnish European, 0.0049%; no homozygotes.

Submissions (2):

Labcorp Genetics (formerly Invitae), Labcorp
Classification: Likely benign. Last evaluated: 2022-08-28. Review status: criteria provided, single submitter. Criteria: Invitae Variant Classification Sherloc (09022015). Collection method: clinical testing. Allele origin: germline.

PreventionGenetics, part of Exact Sciences
Classification: Likely benign for UMOD-related condition. Last evaluated: 2021-12-08. Review status: no assertion criteria provided. Collection method: clinical testing. Allele origin: germline. Not counted in ClinVar's aggregate classification.
Comment: This variant is classified as likely benign based on ACMG/AMP sequence variant interpretation guidelines (Richards et al. 2015 PMID: 25741868, with internal and published modifications).